The following is an entry in ClinVar:

NM_000338.3(SLC12A1):c.629-547A>G

Gene: SLC12A1 (solute carrier family 12 member 1; plus strand). Cytogenetic location: 15q21.1.
Variant type: single nucleotide variant.
Coding change: c.629-547A>G on transcript NM_000338.3 (MANE Select); 547 bases into the intron before coding-DNA position 629, A replaced by G.
Molecular consequence: intron variant. On other transcripts: missense variant (1).
Genome position (GRCh38, 1-based): chr15:48,225,929, A>G. VCF-style: chr15-48225929-A-G. GRCh37 (hg19) VCF-style: chr15-48518126-A-G.
Other names: c.706A>G, p.Asn236Asp (NM_001384136.1); c.629-1150A>G (NM_001184832.2); short protein forms N236D.
Identifiers: ClinVar variation 3370354 (VCV003370354.1).
Genomic context (GRCh38, chr15:48,225,929, plus strand): 5'-ATCGGCTTAGCCGTGACAGTGACTGGTATCACTGGTTTATCCACCTCTGCTATTGCCACA[A>G]ATGGATGTGTCAGAGGAGGTAATTAAACTTGTGACCCGCACCATCATTTGTAAGGTAAAG-3'

ClinVar aggregate classification (germline): Uncertain significance (1 of 4 stars; one submission).

Conditions:
Bartter disease type 1. Also called: HYPOKALEMIC ALKALOSIS WITH HYPERCALCIURIA 1, ANTENATAL; Bartter syndrome, type 1, antenatal; Bartter Syndrome type 1; HYPERPROSTAGLANDIN E SYNDROME 1. Identifiers: Orphanet 112, Orphanet 620217, MedGen C1866495, MONDO:0100344, OMIM 601678, MONDO:0011127.

Submission:

MVZ Medizinische Genetik Mainz
Classification: Uncertain significance for Bartter disease type 1. Last evaluated: 2024-10-04. Review status: criteria provided, single submitter. Criteria: UK Practice Guidelines For Variant Classification V4 01 2020. Collection method: clinical testing. Allele origin: germline. Inheritance: Autosomal recessive inheritance. Affected: yes. Observed: 1 variant allele.
Comment: ACMG Criteria: PM2_SUP,PP3